The following is an entry in ClinVar:

ClinVar aggregate classification (germline): Uncertain significance (1 of 4 stars; one submission).

gnomAD v4.1: 30 of 1,613,742 alleles (0.0019%); highest among the groups gnomAD compares: Non-Finnish European, 0.0023%; no homozygotes.

Submission:

Labcorp Genetics (formerly Invitae), Labcorp
Classification: Uncertain significance. Last evaluated: 2025-05-19. Review status: criteria provided, single submitter. Criteria: Invitae Variant Classification Sherloc (09022015). Collection method: clinical testing. Allele origin: germline.
Comment: This sequence change replaces valine, which is neutral and non-polar, with methionine, which is neutral and non-polar, at codon 224 of the WNT4 protein (p.Val224Met). This variant is present in population databases (rs193047338, gnomAD 0.006%). This variant has not been reported in the literature in individuals affected with WNT4-related conditions. Invitae Evidence Modeling of protein sequence and biophysical properties (such as structural, functional, and spatial information, amino acid conservation, physicochemical variation, residue mobility, and thermodynamic stability) indicates that this missense variant is not expected to disrupt WNT4 protein function with a negative predictive value of 80%. In summary, the available evidence is currently insufficient to determine the role of this variant in disease. Therefore, it has been classified as a Variant of Uncertain Significance.

NM_030761.5(WNT4):c.670G>A (p.Val224Met)

Gene: WNT4 (Wnt family member 4; minus strand). Cytogenetic location: 1p36.12.
Variant type: single nucleotide variant.
Coding change: c.670G>A on transcript NM_030761.5 (MANE Select); coding-DNA position 670, G replaced by A.
Protein change: p.Val224Met; replaces valine 224 with methionine.
Molecular consequence: missense variant.
Genome position (GRCh38, 1-based): chr1:22,120,436, C>T on the plus strand (G>A on the coding strand, the complement: WNT4 is on the minus strand). VCF-style: chr1-22120436-C-T. GRCh37 (hg19) VCF-style: chr1-22446929-C-T.
Other names: short protein forms V224M.
Identifiers: ClinVar variation 4736580 (VCV004736580.1).